The following is an entry in ClinVar:

ClinVar aggregate classification (germline): Pathogenic (1 of 4 stars; one submission).

Submission:

Labcorp Genetics (formerly Invitae), Labcorp
Classification: Pathogenic. Last evaluated: 2021-08-11. Review status: criteria provided, single submitter. Criteria: Invitae Variant Classification Sherloc (09022015). Collection method: clinical testing. Allele origin: germline.
Comment: For these reasons, this variant has been classified as Pathogenic. This variant has not been reported in the literature in individuals affected with FAM161A-related conditions. This sequence change creates a premature translational stop signal (p.Arg190*) in the FAM161A gene. It is expected to result in an absent or disrupted protein product. Loss-of-function variants in FAM161A are known to be pathogenic (PMID: 20705278, 20705279, 24651477). This variant is not present in population databases (ExAC no frequency).

Literature cited by the submitters: PubMed 20705278; PubMed 20705279; PubMed 24651477.

NM_001201543.2(FAM161A):c.568A>T (p.Arg190Ter)

Gene: FAM161A (FAM161 centrosomal protein A; minus strand). Cytogenetic location: 2p15.
Variant type: single nucleotide variant.
Coding change: c.568A>T on transcript NM_001201543.2 (MANE Select); coding-DNA position 568, A replaced by T.
Protein change: p.Arg190Ter; replaces arginine 190 with a stop codon.
Molecular consequence: nonsense. On other transcripts: non-coding transcript variant (1).
Genome position (GRCh38, 1-based): chr2:61,840,436, T>A on the plus strand (A>T on the coding strand, the complement: FAM161A is on the minus strand). VCF-style: chr2-61840436-T-A. GRCh37 (hg19) VCF-style: chr2-62067571-T-A.
Other names: c.568A>T, p.Arg190Ter (NM_032180.3); short protein forms R190*.
Identifiers: ClinVar variation 1455483 (VCV001455483.6), dbSNP rs374656732, ClinGen allele CA346988877.